The following is an entry in ClinVar:

NM_000157.4(GBA1):c.455G>A (p.Gly152Glu)

Genes: GBA1 (glucosylceramidase beta 1; minus strand), LOC106627981 (GBA recombination region; plus strand). Cytogenetic location: 1q22.
Variant type: single nucleotide variant.
Coding change: c.455G>A on transcript NM_000157.4 (MANE Select); coding-DNA position 455, G replaced by A.
Protein change: p.Gly152Glu; replaces glycine 152 with glutamic acid.
Molecular consequence: missense variant.
Genome position (GRCh38, 1-based): chr1:155,238,650, C>T on the plus strand (G>A on the coding strand, the complement: GBA1 is on the minus strand). VCF-style: chr1-155238650-C-T. GRCh37 (hg19) VCF-style: chr1-155208441-C-T.
Other names: c.455G>A, p.Gly152Glu (NM_001005741.3, NM_001005742.3); c.194G>A, p.Gly65Glu (NM_001171811.2); c.308G>A, p.Gly103Glu (NM_001171812.2); short protein forms G103E, G152E, G65E.
Identifiers: ClinVar variation 4817766 (VCV004817766.1).

ClinVar aggregate classification (germline): Likely pathogenic (1 of 4 stars; one submission).

Conditions:
Gaucher disease. Also called: Acute cerebral Gaucher disease; Cerebroside lipidosis syndrome; Gaucher splenomegaly; Sphingolipidosis 1; Glucocerebrosidosis; Glucosylceramidase deficiency. Identifiers: Orphanet 355, MedGen C0017205, MONDO:0018150.

gnomAD v4.1: 2 of 1,613,624 alleles (0.00012%); highest among the groups gnomAD compares: Non-Finnish European, 0.00017%; no homozygotes.

Submission:

Natera, Inc.
Classification: Likely pathogenic for Gaucher disease. Last evaluated: 2025-02-21. Review status: criteria provided, single submitter. Criteria: Natera Variant Classification Schema (03/2026). Collection method: clinical testing. Allele origin: germline.
Comment: The c.455G>A variant in GBA1 is a missense variant predicted to cause substitution of glycine to glutamic acid at amino acid 152. This variant is rare in the general population with a frequency below the threshold expected for the associated phenotype(s). This variant has been observed in one or more individuals affected with the associated recessive disease, as either homozygous or compound heterozygous with a second variant (PMID: 9554746, 34134921). This variant has been identified in one or more affected individuals with a phenotype highly consistent with the associated gene (PMID: 34134921). Computational prediction algorithms indicate this variant is likely to affect gene or protein function. Given the available evidence, this variant is classified as Likely Pathogenic.

Literature cited by the submitters: PubMed 9554746; PubMed 34134921.